The following is an entry in ClinVar:

ClinVar aggregate classification (germline): Likely pathogenic (1 of 4 stars; one submission).

Conditions:
Neurodevelopmental disorder with speech impairment and dysmorphic facies. Identifiers: MedGen C5436699, MONDO:0033630, OMIM 619056.

Submission:

Women's Health and Genetics/Laboratory Corporation of America, LabCorp
Classification: Likely pathogenic for Neurodevelopmental disorder with speech impairment and dysmorphic facies. Last evaluated: 2023-02-01. Review status: criteria provided, single submitter. Criteria: LabCorp Variant Classification Summary - May 2015. Collection method: clinical testing. Allele origin: germline.
Comment: Variant summary: SETD1A c.151-2A>G is located in a canonical splice-site and is predicted to affect mRNA splicing resulting in a significantly altered protein due to either exon skipping, shortening, or inclusion of intronic material. Several computational tools predict a significant impact on normal splicing: Four predict the variant abolishes a 3' acceptor site. However, these predictions have yet to be confirmed by functional studies. The variant was absent in 251444 control chromosomes. To our knowledge, no occurrence of c.151-2A>G in individuals affected with Neurodevelopmental Disorder With Speech Impairment And Dysmorphic Facies and no experimental evidence demonstrating its impact on protein function have been reported. No clinical diagnostic laboratories have submitted clinical-significance assessments for this variant to ClinVar after 2014. Based on the evidence outlined above, the variant was classified as likely pathogenic.

NM_014712.3(SETD1A):c.151-2A>G

Gene: SETD1A (SET domain containing 1A, histone lysine methyltransferase; plus strand). Cytogenetic location: 16p11.2.
Variant type: single nucleotide variant.
Coding change: c.151-2A>G on transcript NM_014712.3 (MANE Select); the canonical splice acceptor site of the intron before coding-DNA position 151, A replaced by G.
Molecular consequence: splice acceptor variant.
Genome position (GRCh38, 1-based): chr16:30,959,089, A>G. VCF-style: chr16-30959089-A-G. GRCh37 (hg19) VCF-style: chr16-30970410-A-G.
Identifiers: ClinVar variation 2445730 (VCV002445730.1), dbSNP rs2543833500, ClinGen allele CA395646202.